The following is an entry in ClinVar:

ClinVar aggregate classification (germline): Likely benign. Review status: criteria provided, multiple submitters, no conflicts (2 of 4 stars). 3 submissions from 3 submitters: Likely benign (3). Last evaluated 2025-07-31.

Conditions:
Hereditary cancer-predisposing syndrome. Also called: Tumor predisposition; Neoplastic Syndromes, Hereditary; Hereditary neoplastic syndrome; Hereditary Cancer Syndrome. Identifiers: Orphanet 140162, MedGen C0027672, MeSH D009386, MONDO:0015356.
Familial cancer of breast. Also called: Hereditary breast cancer; BREAST CANCER, FAMILIAL; hereditary breast carcinoma. Identifiers: Orphanet 227535, MedGen C0346153, MONDO:0016419, OMIM 114480. Disease mechanism: loss of function.

Allele frequency attached by ClinVar (database versions not stated): TOPMed 0.00001.
gnomAD v4.1: 1 of 1,603,488 alleles (0.000062%); highest among the groups gnomAD compares: Non-Finnish European, 0.000085%; no homozygotes.

Submissions (3):

Labcorp Genetics (formerly Invitae), Labcorp
Classification: Likely benign for Familial cancer of breast. Last evaluated: 2025-07-31. Review status: criteria provided, single submitter. Criteria: Invitae Variant Classification Sherloc (09022015). Collection method: clinical testing. Allele origin: germline.

Myriad Genetics, Inc.
Classification: Likely benign for Familial cancer of breast. Last evaluated: 2025-01-16. Review status: criteria provided, single submitter. Criteria: Myriad Autosomal Dominant, Autosomal Recessive and X-Linked Classification Criteria (2023). Collection method: clinical testing. Allele origin: unknown.
Comment: This variant is considered likely benign. This variant is intronic and is not expected to impact mRNA splicing.

Color Diagnostics, LLC DBA Color Health
Classification: Likely benign for Hereditary cancer-predisposing syndrome. Last evaluated: 2019-09-23. Review status: criteria provided, single submitter. Criteria: ACMG Guidelines, 2015. Collection method: clinical testing. Allele origin: germline.

NM_024675.4(PALB2):c.2586+8G>A

Gene: PALB2 (partner and localizer of BRCA2; minus strand). Cytogenetic location: 16p12.2.
Variant type: single nucleotide variant.
Coding change: c.2586+8G>A on transcript NM_024675.4 (MANE Select); 8 bases into the intron after coding-DNA position 2586, G replaced by A.
Molecular consequence: intron variant.
Genome position (GRCh38, 1-based): chr16:23,629,196, C>T on the plus strand (G>A on the coding strand, the complement: PALB2 is on the minus strand). VCF-style: chr16-23629196-C-T. GRCh37 (hg19) VCF-style: chr16-23640517-C-T.
Identifiers: ClinVar variation 415983 (VCV000415983.14), dbSNP rs1060504708, ClinGen allele CA16614827.